The following is an entry in ClinVar:

ClinVar aggregate classification (germline): Uncertain significance. Review status: criteria provided, multiple submitters, no conflicts (2 of 4 stars). 2 submissions from 2 submitters: Uncertain significance (2). Last evaluated 2024-09-16.

Conditions:
Cardiovascular phenotype. Identifiers: MedGen CN230736.

Submissions (2):

GeneDx
Classification: Uncertain significance. Last evaluated: 2024-09-16. Review status: criteria provided, single submitter. Criteria: GeneDx Variant Classification Process June 2021. Collection method: clinical testing. Allele origin: germline. Affected: yes.
Comment: Not observed at significant frequency in large population cohorts (gnomAD); In silico analysis supports that this missense variant has a deleterious effect on protein structure/function; Has not been previously published as pathogenic or benign to our knowledge

Ambry Genetics
Classification: Uncertain significance for Cardiovascular phenotype. Last evaluated: 2024-04-04. Review status: criteria provided, single submitter. Criteria: Ambry Variant Classification Scheme 2023. Collection method: clinical testing. Allele origin: germline.
Comment: The p.R762G variant (also known as c.2284C>G), located in coding exon 15 of the SCN10A gene, results from a C to G substitution at nucleotide position 2284. The arginine at codon 762 is replaced by glycine, an amino acid with dissimilar properties. This amino acid position is conserved. In addition, this alteration is predicted to be deleterious by in silico analysis. Based on the available evidence, the clinical significance of this variant remains unclear.

NM_006514.4(SCN10A):c.2284C>G (p.Arg762Gly)

Gene: SCN10A (sodium voltage-gated channel alpha subunit 10; minus strand). Cytogenetic location: 3p22.2.
Variant type: single nucleotide variant.
Coding change: c.2284C>G on transcript NM_006514.4 (MANE Select); coding-DNA position 2284, C replaced by G.
Protein change: p.Arg762Gly; replaces arginine 762 with glycine.
Molecular consequence: missense variant.
Genome position (GRCh38, 1-based): chr3:38,728,898, G>C on the plus strand (C>G on the coding strand, the complement: SCN10A is on the minus strand). VCF-style: chr3-38728898-G-C. GRCh37 (hg19) VCF-style: chr3-38770389-G-C.
Other names: c.2284C>G, p.Arg762Gly (NM_001293306.2); c.1990C>G, p.Arg664Gly (NM_001293307.2); short protein forms R664G, R762G.
Identifiers: ClinVar variation 1695792 (VCV001695792.4), dbSNP rs577819850, ClinGen allele CA352161524.
Genomic context (GRCh38, chr3:38,728,898, plus strand): 5'-TTCCGATGATCTTGATGAGTGTGTTTAAGGTGGGCCAGGATTTGGCCAGCTTGAATACGC[G>C]CAGCTGCAGAGAAACAGAGACCGTCAGGTTTTGGTAGCTGTGCTCATTACCTTTCATCTA-3'
Protein context (NP_006505.4, residues 752-772): LSVLRSFRLL[Arg762Gly]VFKLAKSWPT